The following is an entry in ClinVar:

NM_004994.3(MMP9):c.1975T>G (p.Leu659Val)

Genes: MMP9 (matrix metallopeptidase 9; plus strand), SLC12A5-AS1 (SLC12A5 and MMP9 antisense RNA 1; minus strand). Cytogenetic location: 20q13.12.
Variant type: single nucleotide variant.
Coding change: c.1975T>G on transcript NM_004994.3 (MANE Select); coding-DNA position 1975, T replaced by G.
Protein change: p.Leu659Val; replaces leucine 659 with valine.
Molecular consequence: missense variant. On other transcripts: non-coding transcript variant (1).
Genome position (GRCh38, 1-based): chr20:46,014,444, T>G. VCF-style: chr20-46014444-T-G. GRCh37 (hg19) VCF-style: chr20-44643083-T-G.
Other names: short protein forms L659V.
Identifiers: ClinVar variation 2776435 (VCV002776435.3), dbSNP rs549511587, ClinGen allele CA409225816.

ClinVar aggregate classification (germline): Uncertain significance (1 of 4 stars; one submission).

Allele frequency attached by ClinVar (database versions not stated): gnomAD exomes below 0.00001.
gnomAD v4.1: 2 of 1,550,484 alleles (0.00013%); highest among the groups gnomAD compares: Non-Finnish European, 0.00017%; no homozygotes.

Submission:

Labcorp Genetics (formerly Invitae), Labcorp
Classification: Uncertain significance. Last evaluated: 2025-06-02. Review status: criteria provided, single submitter. Criteria: Invitae Variant Classification Sherloc (09022015). Collection method: clinical testing. Allele origin: germline.
Comment: This sequence change replaces leucine, which is neutral and non-polar, with valine, which is neutral and non-polar, at codon 659 of the MMP9 protein (p.Leu659Val). This variant is not present in population databases (gnomAD no frequency). This variant has not been reported in the literature in individuals affected with MMP9-related conditions. ClinVar contains an entry for this variant (Variation ID: 2776435). Invitae Evidence Modeling of protein sequence and biophysical properties (such as structural, functional, and spatial information, amino acid conservation, physicochemical variation, residue mobility, and thermodynamic stability) indicates that this missense variant is not expected to disrupt MMP9 protein function with a negative predictive value of 80%. In summary, the available evidence is currently insufficient to determine the role of this variant in disease. Therefore, it has been classified as a Variant of Uncertain Significance.